The following is an entry in ClinVar:

ClinVar aggregate classification (germline): Uncertain significance. Review status: criteria provided, multiple submitters, no conflicts (2 of 4 stars). 2 submissions from 2 submitters: Uncertain significance (2). Last evaluated 2025-05-01.

Conditions:
Ataxia-telangiectasia syndrome (AT). Also called: AT, COMPLEMENTATION GROUP C; Cerebello-oculocutaneous telangiectasia; Immunodeficiency with ataxia telangiectasia; Ataxia-telangiectasia, complementation group D; ATAXIA-TELANGIECTASIA, FRESNO VARIANT; Ataxia-telangiectasia, complementation group E. Identifiers: Orphanet 100, MedGen C0004135, MONDO:0008840, OMIM 208900.
Hereditary cancer-predisposing syndrome. Also called: Hereditary neoplastic syndrome; Neoplastic Syndromes, Hereditary; Hereditary Cancer Syndrome; Tumor predisposition. Identifiers: Orphanet 140162, MedGen C0027672, MeSH D009386, MONDO:0015356.

Submissions (2):

Ambry Genetics
Classification: Uncertain significance for Hereditary cancer-predisposing syndrome. Last evaluated: 2025-05-01. Review status: criteria provided, single submitter. Criteria: Ambry Variant Classification Scheme 2023. Collection method: clinical testing. Allele origin: germline.
Comment: The c.662G>A variant (also known as p.R221K), located in coding exon 5 of the ATM gene, results from a G to A substitution at nucleotide position 662. The amino acid change results in arginine to lysine at codon 221, an amino acid with highly similar properties. However, this change occurs in the last base pair of coding exon 5, which makes it likely to have some effect on normal mRNA splicing. This nucleotide position is highly conserved in available vertebrate species. In silico splice site analysis predicts that this alteration will weaken the native splice donor site; however, direct evidence is insufficient at this time (Ambry internal data). This amino acid position is highly conserved in available vertebrate species. In addition, this alteration is predicted to be tolerated by in silico analysis. Based on the available evidence, the clinical significance of this variant remains unclear.

Labcorp Genetics (formerly Invitae), Labcorp
Classification: Uncertain significance for Ataxia-telangiectasia syndrome. Last evaluated: 2019-10-14. Review status: criteria provided, single submitter. Criteria: Invitae Variant Classification Sherloc (09022015). Collection method: clinical testing. Allele origin: germline.
Comment: This sequence change replaces arginine with lysine at codon 221 of the ATM protein (p.Arg221Lys). The arginine residue is highly conserved and there is a small physicochemical difference between arginine and lysine. This variant also falls at the last nucleotide of exon 6 of the ATM coding sequence, which is part of the consensus splice site for this exon. This variant is not present in population databases (ExAC no frequency). This variant has not been reported in the literature in individuals with ATM-related disease. Algorithms developed to predict the effect of missense changes on protein structure and function are either unavailable or do not agree on the potential impact of this missense change (SIFT: "Tolerated"; PolyPhen-2: "Possibly Damaging"; Align-GVGD: "Class C0"). Nucleotide substitutions within the consensus splice site are a relatively common cause of aberrant splicing (PMID: 17576681, 9536098). Algorithms developed to predict the effect of sequence changes on RNA splicing suggest that this variant may disrupt the consensus splice site, but this prediction has not been confirmed by published transcriptional studies. In summary, the available evidence is currently insufficient to determine the role of this variant in disease. Therefore, it has been classified as a Variant of Uncertain Significance.

Literature cited by the submitters: PubMed 17576681 (cited by Labcorp Genetics (formerly Invitae), Labcorp); PubMed 9536098 (cited by Labcorp Genetics (formerly Invitae), Labcorp).

NM_000051.4(ATM):c.662G>A (p.Arg221Lys)

Gene: ATM (ATM serine/threonine kinase; plus strand). Cytogenetic location: 11q22.3.
Variant type: single nucleotide variant.
Coding change: c.662G>A on transcript NM_000051.4 (MANE Select); coding-DNA position 662, G replaced by A.
Protein change: p.Arg221Lys; replaces arginine 221 with lysine.
Molecular consequence: missense variant.
Genome position (GRCh38, 1-based): chr11:108,244,118, G>A. VCF-style: chr11-108244118-G-A. GRCh37 (hg19) VCF-style: chr11-108114845-G-A.
Other names: c.662G>A, p.Arg221Lys (NM_001351834.2); short protein forms R221K.
Identifiers: ClinVar variation 571136 (VCV000571136.11), dbSNP rs776349773, ClinGen allele CA382528675.
Genomic context (GRCh38, chr11:108,244,118, plus strand): 5'-AGACTGACGGATTAAATTCCAAATTTTTGGACTTTTTTTCCAAGGCTATTCAGTGTGCGA[G>A]GTAATCTAATCTCTTTTTCTTTTGTTTTGTATTGAAATACTTTTGATCTTGCAAGACCAT-3'
Protein context (NP_000042.3, residues 211-231): DFFSKAIQCA[Arg221Lys]QEKSSSGLNH